The following is an entry in ClinVar:

NM_001256071.3(RNF213):c.13254T>C (p.Phe4418=)

Genes: RNF213 (ring finger protein 213; plus strand), RNF213-AS1 (RNF213 antisense RNA 1; minus strand). Cytogenetic location: 17q25.3.
Variant type: single nucleotide variant.
Coding change: c.13254T>C on transcript NM_001256071.3 (MANE Select); coding-DNA position 13254, T replaced by C.
Protein change: p.Phe4418=; no amino-acid change (phenylalanine 4418 retained).
Molecular consequence: synonymous variant.
Genome position (GRCh38, 1-based): chr17:80,376,369, T>C. VCF-style: chr17-80376369-T-C. GRCh37 (hg19) VCF-style: chr17-78350169-T-C.
Identifiers: ClinVar variation 752866 (VCV000752866.6), dbSNP rs372791334, ClinGen allele CA8822518.

ClinVar aggregate classification (germline): Benign. Review status: criteria provided, single submitter (1 of 4 stars). 2 submissions from 2 submitters: Benign (1). 1 of the submissions does not count toward it. Last evaluated 2019-12-31.

Conditions:
RNF213-related disorder. Also called: RNF213-related condition.

Allele frequency attached by ClinVar (database versions not stated): ExAC 0.00008; ESP Exome Variant Server 0.00008; gnomAD 0.00008; gnomAD exomes 0.00010 and 0.00017; TOPMed 0.00011.
gnomAD v4.1: 160 of 1,614,122 alleles (0.0099%); highest among the groups gnomAD compares: Non-Finnish European, 0.0076%; no homozygotes.

Submissions (2):

Labcorp Genetics (formerly Invitae), Labcorp
Classification: Benign. Last evaluated: 2019-12-31. Review status: criteria provided, single submitter. Criteria: Invitae Variant Classification Sherloc (09022015). Collection method: clinical testing. Allele origin: germline.

PreventionGenetics, part of Exact Sciences
Classification: Likely benign for RNF213-related condition. Last evaluated: 2019-06-12. Review status: no assertion criteria provided. Collection method: clinical testing. Allele origin: germline. Not counted in ClinVar's aggregate classification.
Comment: This variant is classified as likely benign based on ACMG/AMP sequence variant interpretation guidelines (Richards et al. 2015 PMID: 25741868, with internal and published modifications).